The following is an entry in ClinVar:

ClinVar aggregate classification (germline): Uncertain significance (1 of 4 stars; one submission).

Conditions:
Hereditary cancer-predisposing syndrome. Also called: Tumor predisposition; Neoplastic Syndromes, Hereditary; Hereditary neoplastic syndrome; Hereditary Cancer Syndrome. Identifiers: Orphanet 140162, MedGen C0027672, MeSH D009386, MONDO:0015356.

Submission:

Ambry Genetics
Classification: Uncertain significance for Hereditary cancer-predisposing syndrome. Last evaluated: 2025-08-27. Review status: criteria provided, single submitter. Criteria: Ambry Variant Classification Scheme 2023. Collection method: clinical testing. Allele origin: germline.
Comment: The p.G35R variant (also known as c.103G>C), located in coding exon 2 of the MUTYH gene, results from a G to C substitution at nucleotide position 103. The glycine at codon 35 is replaced by arginine, an amino acid with dissimilar properties. This amino acid position is conserved. In addition, this alteration is predicted to be tolerated by in silico analysis. Based on the available evidence, the clinical significance of this variant remains unclear.

NM_001048174.2(MUTYH):c.61G>C (p.Gly21Arg)

Gene: MUTYH (mutY DNA glycosylase; minus strand). Cytogenetic location: 1p34.1.
Variant type: single nucleotide variant.
Coding change: c.61G>C on transcript NM_001048174.2 (MANE Select); coding-DNA position 61, G replaced by C.
Protein change: p.Gly21Arg; replaces glycine 21 with arginine.
Molecular consequence: missense variant. On other transcripts: non-coding transcript variant (7), 5 prime UTR variant (7).
Genome position (GRCh38, 1-based): chr1:45,334,445, C>G on the plus strand (G>C on the coding strand, the complement: MUTYH is on the minus strand). VCF-style: chr1-45334445-C-G. GRCh37 (hg19) VCF-style: chr1-45800117-C-G.
Other names: c.61G>C, p.Gly21Arg (NM_001048171.2, NM_001048172.2, NM_001048173.2 and 15 more transcripts); c.103G>C, p.Gly35Arg (NM_001128425.2, NM_001293190.2, NM_001407069.1 and 2 more transcripts); c.-152G>C (NM_001293192.2, NM_001293196.2, NM_001407091.1); c.-211G>C (NM_001350650.2); c.-147G>C (NM_001350651.2, NM_001407082.1); c.-96G>C (NM_001407075.1); c.79G>C, p.Gly27Arg (NM_001407087.1); short protein forms G27R, G21R, G35R.
Identifiers: ClinVar variation 4112946 (VCV004112946.1).